The following is an entry in ClinVar:

ClinVar aggregate classification (germline): Uncertain significance. Review status: criteria provided, multiple submitters, no conflicts (2 of 4 stars). 2 submissions from 2 submitters: Uncertain significance (2). Last evaluated 2025-09-02.

Conditions:
PLXNA1-related disorder. Also called: PLXNA1-related condition.

Allele frequency attached by ClinVar (database versions not stated): gnomAD 0.00001; TOPMed 0.00001; ExAC 0.00002.
gnomAD v4.1: 72 of 1,612,960 alleles (0.0045%); highest among the groups gnomAD compares: Non-Finnish European, 0.0056%; no homozygotes.

Submissions (2):

Labcorp Genetics (formerly Invitae), Labcorp
Classification: Uncertain significance. Last evaluated: 2025-09-02. Review status: criteria provided, single submitter. Criteria: Invitae Variant Classification Sherloc (09022015). Collection method: clinical testing. Allele origin: germline.
Comment: This sequence change replaces valine, which is neutral and non-polar, with methionine, which is neutral and non-polar, at codon 685 of the PLXNA1 protein (p.Val685Met). This variant is present in population databases (rs767000075, gnomAD 0.004%). This variant has not been reported in the literature in individuals affected with PLXNA1-related conditions. ClinVar contains an entry for this variant (Variation ID: 3011967). Invitae Evidence Modeling of protein sequence and biophysical properties (such as structural, functional, and spatial information, amino acid conservation, physicochemical variation, residue mobility, and thermodynamic stability) indicates that this missense variant is not expected to disrupt PLXNA1 protein function with a negative predictive value of 80%. In summary, the available evidence is currently insufficient to determine the role of this variant in disease. Therefore, it has been classified as a Variant of Uncertain Significance.

PreventionGenetics, part of Exact Sciences
Classification: Uncertain significance for PLXNA1-related condition. Last evaluated: 2025-05-06. Review status: criteria provided, single submitter. Criteria: ACMG Guidelines, 2015. Collection method: clinical testing. Allele origin: germline.
Comment: The PLXNA1 c.2053G>A variant is predicted to result in the amino acid substitution p.Val685Met. This variant has been reported in an individual with Parkinson disease; however, no additional evidence was presented to support its pathogenicity (Supplementary Table 1, Li et al. 2023. PubMed ID: 37397528). This variant is reported in 0.0035% of alleles in individuals of European (Non-Finnish) descent in gnomAD. At this time, the clinical significance of this variant is uncertain due to the absence of conclusive functional and genetic evidence.

NM_032242.4(PLXNA1):c.2053G>A (p.Val685Met)

Gene: PLXNA1 (plexin A1; plus strand). Cytogenetic location: 3q21.3.
Variant type: single nucleotide variant.
Coding change: c.2053G>A on transcript NM_032242.4 (MANE Select); coding-DNA position 2053, G replaced by A.
Protein change: p.Val685Met; replaces valine 685 with methionine.
Molecular consequence: missense variant.
Genome position (GRCh38, 1-based): chr3:127,007,854, G>A. VCF-style: chr3-127007854-G-A. GRCh37 (hg19) VCF-style: chr3-126726697-G-A.
Other names: c.2053G>A (NM_032242.3); short protein forms V685M.
Identifiers: ClinVar variation 3011967 (VCV003011967.4), dbSNP rs767000075, ClinGen allele CA2593482.
Genomic context (GRCh38, chr3:127,007,854, plus strand): 5'-TGCAGCTGCCTGTCCTGTGTCAACGGCTCCTTTCCCTGCCACTGGTGCAAATACCGCCAC[G>A]TGTGCACACACAACGTGGCTGACTGCGCCTTCCTGGAGGGCCGTGTCAACGTGTCTGAGG-3'
Protein context (NP_115618.3, residues 675-695): FPCHWCKYRH[Val685Met]CTHNVADCAF